The following is an entry in ClinVar:

ClinVar aggregate classification (germline): Uncertain significance. Review status: criteria provided, multiple submitters, no conflicts (2 of 4 stars). 2 submissions from 2 submitters: Uncertain significance (2). Last evaluated 2021-12-15.

Conditions:
Myofibrillar myopathy 5. Also called: Filaminopathy (type); FILAMINOPATHY, AUTOSOMAL DOMINANT. Identifiers: Orphanet 171445, MedGen C1836050, MONDO:0012289, OMIM 609524.
Distal myopathy with posterior leg and anterior hand involvement. Also called: WILLIAMS DISTAL MYOPATHY. Identifiers: Orphanet 63273, MedGen C3279722, MONDO:0013550, OMIM 614065.
Hypertrophic cardiomyopathy 26. Also called: Cardiomyopathy, familial hypertrophic, 26. Identifiers: Orphanet 75249, MedGen C4310749, MONDO:0014883, OMIM 617047.

gnomAD v4.1: 1 of 1,613,090 alleles (0.000062%); highest among the groups gnomAD compares: Non-Finnish European, 0.000085%; no homozygotes.

Submissions (2):

Labcorp Genetics (formerly Invitae), Labcorp
Classification: Uncertain significance for Distal myopathy with posterior leg and anterior hand involvement; Myofibrillar myopathy 5; Hypertrophic cardiomyopathy 26. Last evaluated: 2021-12-15. Review status: criteria provided, single submitter. Criteria: Invitae Variant Classification Sherloc (09022015). Collection method: clinical testing. Allele origin: germline.
Comment: This variant is present in population databases (no rsID available, gnomAD 0.0009%). In summary, the available evidence is currently insufficient to determine the role of this variant in disease. Therefore, it has been classified as a Variant of Uncertain Significance. Algorithms developed to predict the effect of missense changes on protein structure and function are either unavailable or do not agree on the potential impact of this missense change (SIFT: "Deleterious"; PolyPhen-2: "Benign"; Align-GVGD: "Class C0"). ClinVar contains an entry for this variant (Variation ID: 1193254). This variant has not been reported in the literature in individuals affected with FLNC-related conditions. This sequence change replaces isoleucine, which is neutral and non-polar, with valine, which is neutral and non-polar, at codon 71 of the FLNC protein (p.Ile71Val).

GeneDx
Classification: Uncertain significance. Last evaluated: 2019-10-24. Review status: criteria provided, single submitter. Criteria: GeneDx Variant Classification Process June 2021. Collection method: clinical testing. Allele origin: germline. Affected: yes.
Comment: Has not been previously published as pathogenic or benign to our knowledge; Not observed at a significant frequency in large population cohorts (Lek et al., 2016); In silico analysis, which includes protein predictors and evolutionary conservation, supports that this variant does not alter protein structure/function

NM_001458.5(FLNC):c.211A>G (p.Ile71Val)

Gene: FLNC (filamin C; plus strand). Cytogenetic location: 7q32.1.
Variant type: single nucleotide variant.
Coding change: c.211A>G on transcript NM_001458.5 (MANE Select); coding-DNA position 211, A replaced by G.
Protein change: p.Ile71Val; replaces isoleucine 71 with valine.
Molecular consequence: missense variant.
Genome position (GRCh38, 1-based): chr7:128,830,848, A>G. VCF-style: chr7-128830848-A-G. GRCh37 (hg19) VCF-style: chr7-128470902-A-G.
Other names: c.211A>G, p.Ile71Val (NM_001127487.2); short protein forms I71V.
Identifiers: ClinVar variation 1193254 (VCV001193254.8), dbSNP rs1250893880, ClinGen allele CA369216334.